The following is an entry in ClinVar:

NM_004977.3(KCNC3):c.640G>A (p.Ala214Thr)

Gene: KCNC3 (potassium voltage-gated channel subfamily C member 3; minus strand). Cytogenetic location: 19q13.33.
Variant type: single nucleotide variant.
Coding change: c.640G>A on transcript NM_004977.3 (MANE Select); coding-DNA position 640, G replaced by A.
Protein change: p.Ala214Thr; replaces alanine 214 with threonine.
Molecular consequence: missense variant.
Genome position (GRCh38, 1-based): chr19:50,328,443, C>T on the plus strand (G>A on the coding strand, the complement: KCNC3 is on the minus strand). VCF-style: chr19-50328443-C-T. GRCh37 (hg19) VCF-style: chr19-50831700-C-T.
Other names: c.412G>A, p.Ala138Thr (NM_001372305.1); short protein forms A138T, A214T.
Identifiers: ClinVar variation 1525057 (VCV001525057.8), dbSNP rs2123545931, ClinGen allele CA406954629.

ClinVar aggregate classification (germline): Uncertain significance (1 of 4 stars; one submission).

Allele frequency attached by ClinVar (database versions not stated): gnomAD exomes below 0.00001.
gnomAD v4.1: 1 of 1,568,866 alleles (0.000064%); highest among the groups gnomAD compares: African/African-American, 0.0014%; no homozygotes.

Submission:

Labcorp Genetics (formerly Invitae), Labcorp
Classification: Uncertain significance. Last evaluated: 2022-09-27. Review status: criteria provided, single submitter. Criteria: Invitae Variant Classification Sherloc (09022015). Collection method: clinical testing. Allele origin: germline.
Comment: In summary, the available evidence is currently insufficient to determine the role of this variant in disease. Therefore, it has been classified as a Variant of Uncertain Significance. Advanced modeling of protein sequence and biophysical properties (such as structural, functional, and spatial information, amino acid conservation, physicochemical variation, residue mobility, and thermodynamic stability) performed at Invitae indicates that this missense variant is not expected to disrupt KCNC3 protein function. ClinVar contains an entry for this variant (Variation ID: 1525057). This variant has not been reported in the literature in individuals affected with KCNC3-related conditions. This variant is not present in population databases (gnomAD no frequency). This sequence change replaces alanine, which is neutral and non-polar, with threonine, which is neutral and polar, at codon 214 of the KCNC3 protein (p.Ala214Thr).